The following is an entry in ClinVar:

NM_030962.4(SBF2):c.402+5A>G

Gene: SBF2 (SET binding factor 2; minus strand). Cytogenetic location: 11p15.4.
Variant type: single nucleotide variant.
Coding change: c.402+5A>G on transcript NM_030962.4 (MANE Select); 5 bases into the intron after coding-DNA position 402, A replaced by G.
Molecular consequence: intron variant.
Genome position (GRCh38, 1-based): chr11:10,031,043, T>C on the plus strand (A>G on the coding strand, the complement: SBF2 is on the minus strand). VCF-style: chr11-10031043-T-C. GRCh37 (hg19) VCF-style: chr11-10052590-T-C.
Other names: c.402+5A>G (NM_001386342.1, NM_001386339.1).
Identifiers: ClinVar variation 412595 (VCV000412595.11), dbSNP rs1060503800, ClinGen allele CA16613209.

ClinVar aggregate classification (germline): Conflicting classifications of pathogenicity. Review status: criteria provided, conflicting classifications (1 of 4 stars). 2 submissions from 2 submitters: Uncertain significance (1); Likely benign (1). Last evaluated 2025-04-17.

Conditions:
Inborn genetic diseases. Identifiers: MedGen C0950123, MeSH D030342.
Charcot-Marie-Tooth disease type 4. Also called: Charcot-Marie-Tooth, Type 4; Charcot-Marie-Tooth disease, type IV. Identifiers: Orphanet 64749, MedGen C4082197, MONDO:0018995.

Allele frequency attached by ClinVar (database versions not stated): gnomAD 0.00001.
gnomAD v4.1: 1 of 1,610,478 alleles (0.000062%); highest among the groups gnomAD compares: African/African-American, 0.0013%; no homozygotes.

Submissions (2):

Labcorp Genetics (formerly Invitae), Labcorp
Classification: Likely benign for Charcot-Marie-Tooth disease type 4. Last evaluated: 2025-04-17. Review status: criteria provided, single submitter. Criteria: Invitae Variant Classification Sherloc (09022015). Collection method: clinical testing. Allele origin: germline.

Ambry Genetics
Classification: Uncertain significance for Inborn genetic diseases. Last evaluated: 2021-11-29. Review status: criteria provided, single submitter. Criteria: Ambry Variant Classification Scheme 2023. Collection method: clinical testing. Allele origin: germline.
Comment: The c.402+5A>G intronic variant results from an A to G substitution 5 nucleotides after coding exon 4 in the SBF2 gene. This nucleotide position is well conserved in available vertebrate species. In silico splice site analysis predicts that this alteration will not have any significant effect on splicing. Since supporting evidence is limited at this time, the clinical significance of this alteration remains unclear.